The following is an entry in ClinVar:

NM_033109.5(PNPT1):c.1304A>G (p.Asn435Ser)

Gene: PNPT1 (polyribonucleotide nucleotidyltransferase 1; minus strand). Cytogenetic location: 2p16.1.
Variant type: single nucleotide variant.
Coding change: c.1304A>G on transcript NM_033109.5 (MANE Select); coding-DNA position 1304, A replaced by G.
Protein change: p.Asn435Ser; replaces asparagine 435 with serine.
Molecular consequence: missense variant.
Genome position (GRCh38, 1-based): chr2:55,656,352, T>C on the plus strand (A>G on the coding strand, the complement: PNPT1 is on the minus strand). VCF-style: chr2-55656352-T-C. GRCh37 (hg19) VCF-style: chr2-55883487-T-C.
Other names: short protein forms N435S.
Identifiers: ClinVar variation 1394878 (VCV001394878.3), dbSNP rs1041018213, ClinGen allele CA47655368.
Genomic context (GRCh38, chr2:55,656,352, plus strand): 5'-GACCTGTACTTACCATGCCCAAGTTCTCTTCTATTTAAACCAGTGACTTTGCCAATTTCA[T>C]TAGTTGCATAAGGAGGAAACTTAAAAAAAAAAAAACACAAACACACATATACAATTGACA-3'
Protein context (NP_149100.2, residues 425-445): LHYEFPPYAT[Asn435Ser]EIGKVTGLNR

ClinVar aggregate classification (germline): Uncertain significance (1 of 4 stars; one submission).

Allele frequency attached by ClinVar (database versions not stated): gnomAD exomes 0.00001; TOPMed 0.00001.
gnomAD v4.1: 14 of 1,609,554 alleles (0.00087%); highest among the groups gnomAD compares: Middle Eastern, 0.017%; no homozygotes.

Submission:

Labcorp Genetics (formerly Invitae), Labcorp
Classification: Uncertain significance. Last evaluated: 2022-08-23. Review status: criteria provided, single submitter. Criteria: Invitae Variant Classification Sherloc (09022015). Collection method: clinical testing. Allele origin: germline.
Comment: This sequence change replaces asparagine, which is neutral and polar, with serine, which is neutral and polar, at codon 435 of the PNPT1 protein (p.Asn435Ser). This variant is not present in population databases (gnomAD no frequency). This variant has not been reported in the literature in individuals affected with PNPT1-related conditions. ClinVar contains an entry for this variant (Variation ID: 1394878). Algorithms developed to predict the effect of missense changes on protein structure and function are either unavailable or do not agree on the potential impact of this missense change (SIFT: "Tolerated"; PolyPhen-2: "Probably Damaging"; Align-GVGD: "Class C0"). Algorithms developed to predict the effect of sequence changes on RNA splicing suggest that this variant may create or strengthen a splice site. In summary, the available evidence is currently insufficient to determine the role of this variant in disease. Therefore, it has been classified as a Variant of Uncertain Significance.